The following is an entry in ClinVar:

NM_000059.4(BRCA2):c.2704G>T (p.Ala902Ser)

Gene: BRCA2 (BRCA2 DNA repair associated; plus strand). Cytogenetic location: 13q13.1.
Variant type: single nucleotide variant.
Coding change: c.2704G>T on transcript NM_000059.4 (MANE Select); coding-DNA position 2704, G replaced by T.
Protein change: p.Ala902Ser; replaces alanine 902 with serine.
Molecular consequence: missense variant.
Genome position (GRCh38, 1-based): chr13:32,337,059, G>T. VCF-style: chr13-32337059-G-T. GRCh37 (hg19) VCF-style: chr13-32911196-G-T.
Other names: short protein forms A902S.
Identifiers: ClinVar variation 483084 (VCV000483084.10), dbSNP rs768648043, ClinGen allele CA387773510.
Genomic context (GRCh38, chr13:32,337,059, plus strand): 5'-CTTTTCTCAGACAATGAGAATAATTTTGTCTTCCAAGTAGCTAATGAAAGGAATAATCTT[G>T]CTTTAGGAAATACTAAGGAACTTCATGAAACAGACTTGACTTGTGTAAACGAACCCATTT-3'
Protein context (NP_000050.3, residues 892-912): FQVANERNNL[Ala902Ser]LGNTKELHET

ClinVar aggregate classification (germline): Conflicting classifications of pathogenicity. Review status: criteria provided, conflicting classifications (1 of 4 stars). 3 submissions from 3 submitters: Uncertain significance (1); Likely benign (2). Last evaluated 2025-06-13.

Conditions:
Hereditary cancer-predisposing syndrome. Also called: Neoplastic Syndromes, Hereditary; Tumor predisposition; Hereditary Cancer Syndrome; Hereditary neoplastic syndrome. Identifiers: Orphanet 140162, MedGen C0027672, MeSH D009386, MONDO:0015356.

Allele frequency attached by ClinVar (database versions not stated): gnomAD exomes below 0.00001.
gnomAD v4.1: 4 of 1,605,664 alleles (0.00025%); highest among the groups gnomAD compares: Non-Finnish European, 0.00034%; no homozygotes.

Submissions (3):

Ambry Genetics
Classification: Likely benign for Hereditary cancer-predisposing syndrome. Last evaluated: 2025-06-13. Review status: criteria provided, single submitter. Criteria: Ambry Variant Classification Scheme 2023. Collection method: clinical testing. Allele origin: germline.

University of Washington Department of Laboratory Medicine, University of Washington
Classification: Likely benign for Hereditary cancer-predisposing syndrome. Last evaluated: 2023-03-23. Review status: criteria provided, single submitter. Criteria: Dines et al. (Genet Med. 2020). Collection method: curation. Allele origin: germline.
Comment: Missense variant in a coldspot region where missense variants are very unlikely to be pathogenic (PMID:31911673).

BRCA2 exon 11 coldspot. Reclassification based on statistical prior probability.

Color Diagnostics, LLC DBA Color Health
Classification: Uncertain significance for Hereditary cancer-predisposing syndrome. Last evaluated: 2019-05-02. Review status: criteria provided, single submitter. Criteria: ACMG Guidelines, 2015. Collection method: clinical testing. Allele origin: germline.